The following is an entry in ClinVar:

NM_000465.4(BARD1):c.276A>G (p.Ile92Met)

Gene: BARD1 (BRCA1 associated RING domain 1; minus strand). Cytogenetic location: 2q35.
Variant type: single nucleotide variant.
Coding change: c.276A>G on transcript NM_000465.4 (MANE Select); coding-DNA position 276, A replaced by G.
Protein change: p.Ile92Met; replaces isoleucine 92 with methionine.
Molecular consequence: missense variant. On other transcripts: non-coding transcript variant (1), intron variant (2).
Genome position (GRCh38, 1-based): chr2:214,792,385, T>C on the plus strand (A>G on the coding strand, the complement: BARD1 is on the minus strand). VCF-style: chr2-214792385-T-C. GRCh37 (hg19) VCF-style: chr2-215657109-T-C.
Other names: c.219A>G, p.Ile73Met (NM_001282543.2); c.276A>G, p.Ile92Met (NM_001282549.2); c.158+17027A>G (NM_001282548.2); c.215+4676A>G (NM_001282545.2); short protein forms I92M, I73M.
Identifiers: ClinVar variation 482841 (VCV000482841.13), dbSNP rs1553624797, ClinGen allele CA350461103.

ClinVar aggregate classification (germline): Uncertain significance. Review status: criteria provided, multiple submitters, no conflicts (2 of 4 stars). 3 submissions from 3 submitters: Uncertain significance (3). Last evaluated 2021-07-29.

Conditions:
Familial cancer of breast. Also called: BREAST CANCER, FAMILIAL; Hereditary breast cancer; hereditary breast carcinoma. Identifiers: Orphanet 227535, MedGen C0346153, MONDO:0016419, OMIM 114480. Disease mechanism: loss of function.
Hereditary cancer-predisposing syndrome. Also called: Neoplastic Syndromes, Hereditary; Tumor predisposition; Hereditary Cancer Syndrome; Hereditary neoplastic syndrome. Identifiers: Orphanet 140162, MedGen C0027672, MeSH D009386, MONDO:0015356.

Submissions (3):

Labcorp Genetics (formerly Invitae), Labcorp
Classification: Uncertain significance for Familial cancer of breast. Last evaluated: 2021-07-29. Review status: criteria provided, single submitter. Criteria: Invitae Variant Classification Sherloc (09022015). Collection method: clinical testing. Allele origin: germline.
Comment: This variant has not been reported in the literature in individuals affected with BARD1-related conditions. ClinVar contains an entry for this variant (Variation ID: 482841). Algorithms developed to predict the effect of missense changes on protein structure and function are either unavailable or do not agree on the potential impact of this missense change (SIFT: "Deleterious"; PolyPhen-2: "Possibly Damaging"; Align-GVGD: "Class C0"). In summary, the available evidence is currently insufficient to determine the role of this variant in disease. Therefore, it has been classified as a Variant of Uncertain Significance. This variant is not present in population databases (ExAC no frequency). This sequence change replaces isoleucine with methionine at codon 92 of the BARD1 protein (p.Ile92Met). The isoleucine residue is moderately conserved and there is a small physicochemical difference between isoleucine and methionine.

Ambry Genetics
Classification: Uncertain significance for Hereditary cancer-predisposing syndrome. Last evaluated: 2021-04-13. Review status: criteria provided, single submitter. Criteria: Ambry Variant Classification Scheme 2023. Collection method: clinical testing. Allele origin: germline.
Comment: The p.I92M variant (also known as c.276A>G), located in coding exon 3 of the BARD1 gene, results from an A to G substitution at nucleotide position 276. The isoleucine at codon 92 is replaced by methionine, an amino acid with highly similar properties. This amino acid position is well conserved in available vertebrate species. In addition, this alteration is predicted to be tolerated by in silico analysis. Since supporting evidence is limited at this time, the clinical significance of this alteration remains unclear.

Quest Diagnostics Nichols Institute San Juan Capistrano
Classification: Uncertain significance. Last evaluated: 2018-05-22. Review status: criteria provided, single submitter. Criteria: Quest Diagnostics criteria. Collection method: clinical testing. Allele origin: germline.